The following is an entry in ClinVar:

ClinVar aggregate classification (germline): Benign. Review status: criteria provided, single submitter (1 of 4 stars). 2 submissions from 2 submitters: Benign (1). 1 of the submissions does not count toward it. Last evaluated 2026-07-01.

Conditions:
NEPRO-related disorder. Also called: NEPRO-related condition.

Allele frequency attached by ClinVar (database versions not stated): 1000 Genomes Project 0.00260; 1000 Genomes Project 30x 0.00297; TOPMed 0.00469; gnomAD 0.00480; ExAC 0.00485; ESP Exome Variant Server 0.00500; gnomAD exomes 0.00650.
gnomAD v4.1: 10,227 of 1,613,860 alleles (0.63%); highest among the groups gnomAD compares: South Asian, 1.3%; 65 homozygotes.

Submissions (2):

CeGaT Center for Human Genetics Tuebingen
Classification: Benign. Last evaluated: 2026-07-01. Review status: criteria provided, single submitter. Criteria: CeGaT Center For Human Genetics Tuebingen Variant Classification Criteria Version 2. Collection method: clinical testing. Allele origin: germline. Affected: yes. Observed: 8 variant alleles.
Comment: RMP64: BP4, BS1, BS2

PreventionGenetics, part of Exact Sciences
Classification: Benign for NEPRO-related condition. Last evaluated: 2019-02-25. Review status: no assertion criteria provided. Collection method: clinical testing. Allele origin: germline. Not counted in ClinVar's aggregate classification.
Comment: This variant is classified as benign based on ACMG/AMP sequence variant interpretation guidelines (Richards et al. 2015 PMID: 25741868, with internal and published modifications).

NM_015412.4(RMP64):c.1374G>A (p.Gln458=)

Gene: RMP64 (ribonuclease MRP subunit p64; minus strand). Cytogenetic location: 3q13.2.
Variant type: single nucleotide variant.
Coding change: c.1374G>A on transcript NM_015412.4 (MANE Select); coding-DNA position 1374, G replaced by A.
Protein change: p.Gln458=; no amino-acid change (glutamine 458 retained).
Molecular consequence: synonymous variant. On other transcripts: non-coding transcript variant (1).
Genome position (GRCh38, 1-based): chr3:113,005,866, C>T on the plus strand (G>A on the coding strand, the complement: RMP64 is on the minus strand). VCF-style: chr3-113005866-C-T. GRCh37 (hg19) VCF-style: chr3-112724713-C-T.
Other names: c.1374G>A (NM_015412.3); c.1164G>A, p.Gln388= (NM_001319109.2); c.873G>A, p.Gln291= (NM_001319110.2); c.765G>A, p.Gln255= (NM_001319111.2); c.1041G>A, p.Gln347= (NM_001319112.2); c.966G>A, p.Gln322= (NM_001319114.2); c.1083G>A, p.Gln361= (NM_001319115.2).
Identifiers: ClinVar variation 2654035 (VCV002654035.25), dbSNP rs116476089, ClinGen allele CA2541930.